The following is an entry in ClinVar:

ClinVar aggregate classification (germline): Uncertain significance (1 of 4 stars; one submission).

Conditions:
Hereditary cancer-predisposing syndrome. Also called: Hereditary neoplastic syndrome; Neoplastic Syndromes, Hereditary; Tumor predisposition; Hereditary Cancer Syndrome. Identifiers: Orphanet 140162, MedGen C0027672, MeSH D009386, MONDO:0015356.

Submission:

Ambry Genetics
Classification: Uncertain significance for Hereditary cancer-predisposing syndrome. Last evaluated: 2025-08-27. Review status: criteria provided, single submitter. Criteria: Ambry Variant Classification Scheme 2023. Collection method: clinical testing. Allele origin: germline.
Comment: The p.S82T variant (also known as c.244T>A), located in coding exon 3 of the MUTYH gene, results from a T to A substitution at nucleotide position 244. The serine at codon 82 is replaced by threonine, an amino acid with similar properties. This amino acid position is conserved. In addition, this alteration is predicted to be tolerated by in silico analysis. Based on the available evidence, the clinical significance of this variant remains unclear.

NM_001048174.2(MUTYH):c.160T>A (p.Ser54Thr)

Gene: MUTYH (mutY DNA glycosylase; minus strand). Cytogenetic location: 1p34.1.
Variant type: single nucleotide variant.
Coding change: c.160T>A on transcript NM_001048174.2 (MANE Select); coding-DNA position 160, T replaced by A.
Protein change: p.Ser54Thr; replaces serine 54 with threonine.
Molecular consequence: missense variant. On other transcripts: 5 prime UTR variant (1), non-coding transcript variant (5), intron variant (5).
Genome position (GRCh38, 1-based): chr1:45,333,517, A>T on the plus strand (T>A on the coding strand, the complement: MUTYH is on the minus strand). VCF-style: chr1-45333517-A-T. GRCh37 (hg19) VCF-style: chr1-45799189-A-T.
Other names: c.160T>A, p.Ser54Thr (NM_001048171.2, NM_001048173.2, NM_001293195.2 and 6 more transcripts); c.163T>A, p.Ser55Thr (NM_001048172.2, NM_001407071.1, NM_001407078.1 and 2 more transcripts); c.244T>A, p.Ser82Thr (NM_001128425.2); c.205T>A, p.Ser69Thr (NM_001293190.2); c.193T>A, p.Ser65Thr (NM_001293191.2, NM_001407077.1); c.-112T>A (NM_001350650.2); c.235T>A, p.Ser79Thr (NM_001407069.1, NM_012222.3); c.202T>A, p.Ser68Thr (NM_001407073.1, NM_001407083.1, NM_001407085.1); and 4 more; short protein forms S61T, S55T, S69T, S82T, S26T, S79T, S54T, S65T.
Identifiers: ClinVar variation 4113544 (VCV004113544.1).